The following is an entry in ClinVar:

NM_054027.6(ANKH):c.331T>A (p.Tyr111Asn)

Gene: ANKH (ANKH inorganic pyrophosphate transport regulator; minus strand). Cytogenetic location: 5p15.2.
Variant type: single nucleotide variant.
Coding change: c.331T>A on transcript NM_054027.6 (MANE Select); coding-DNA position 331, T replaced by A.
Protein change: p.Tyr111Asn; replaces tyrosine 111 with asparagine.
Molecular consequence: missense variant.
Genome position (GRCh38, 1-based): chr5:14,758,581, A>T on the plus strand (T>A on the coding strand, the complement: ANKH is on the minus strand). VCF-style: chr5-14758581-A-T. GRCh37 (hg19) VCF-style: chr5-14758690-A-T.
Other names: short protein forms Y111N.
Identifiers: ClinVar variation 1309939 (VCV001309939.3), dbSNP rs1738978200, ClinGen allele CA359251162.
Genomic context (GRCh38, chr5:14,758,581, plus strand): 5'-CCCTTCTCGTCTTGCTCCCCACCGACTCGTCCACATGGTGCAGTTTATTGATAATGTAGT[A>T]TCCTAAATCACTATAAGCTGCAAAGTGTCGAAAGGCATATGTGGAAATATTTAGAAAAGG-3'
Protein context (NP_473368.1, residues 101-121): HTLIAYSDLG[Tyr111Asn]YIINKLHHVD

ClinVar aggregate classification (germline): Uncertain significance (1 of 4 stars; one submission).

Allele frequency attached by ClinVar (database versions not stated): gnomAD 0.00001; TOPMed 0.00002.
gnomAD v4.1: 1 of 1,612,464 alleles (0.000062%); no homozygotes.

Submission:

GeneDx
Classification: Uncertain significance. Last evaluated: 2025-09-30. Review status: criteria provided, single submitter. Criteria: GeneDx Variant Classification Process June 2021. Collection method: clinical testing. Allele origin: germline. Affected: yes.
Comment: Not observed at significant frequency in large population cohorts (gnomAD); In silico analysis suggests that this missense variant does not alter protein structure/function; Has not been previously published as pathogenic or benign to our knowledge